The following is an entry in ClinVar:

ClinVar aggregate classification (germline): Pathogenic (1 of 4 stars; one submission).

Conditions:
Nemaline myopathy 2 (NEM2). Also called: Nemaline myopathy 2, autosomal recessive. Identifiers: MedGen C1850569, MONDO:0009725, OMIM 256030.

Submission:

Labcorp Genetics (formerly Invitae), Labcorp
Classification: Pathogenic for Nemaline myopathy 2. Last evaluated: 2023-11-07. Review status: criteria provided, single submitter. Criteria: Invitae Variant Classification Sherloc (09022015). Collection method: clinical testing. Allele origin: germline.
Comment: This variant occurs in a region of NEB (Exons 82-105) consisting of three highly homologous 8-exon repeat units (exons 82-89, exons 90-97, exons 98-105). Sequence variants in this region can be detected, but this assay cannot determine which of the three repeat units is affected, and zygosity is often ambiguous. All variants in this region are reported relative to the exon 82-89 repeat. This sequence change creates a premature translational stop signal (p.Glu4431Glyfs*5) in the NEB gene. It is expected to result in an absent or disrupted protein product. Loss-of-function variants in NEB are known to be pathogenic (PMID: 25205138). The frequency data for this variant in the population databases (gnomAD) is considered unreliable due to the presence of homologous sequence, such as pseudogenes or paralogs, in the genome. This variant has not been reported in the literature in individuals affected with NEB-related conditions. For these reasons, this variant has been classified as Pathogenic.

Literature cited by the submitters: PubMed 25205138.

NM_001164508.2(NEB):c.13292del (p.Glu4431fs)

Gene: NEB (nebulin; minus strand). Cytogenetic location: 2q23.3.
Variant type: Deletion.
Coding change: c.13292del on transcript NM_001164508.2 (MANE Select); coding-DNA position 13292, one base deleted (A; older notation c.13292delA).
Protein change: p.Glu4431fs; shifts the reading frame from glutamic acid 4431.
Molecular consequence: frameshift variant. On other transcripts: intron variant (1).
Genome position (GRCh38, 1-based): chr2:151,602,663, T deleted on the plus strand (A on the coding strand, the reverse complement: NEB is on the minus strand). VCF-style (leftmost placement, unchanged base first): chr2-151602662-CT-C. GRCh37 (hg19) VCF-style: chr2-152459176-CT-C.
Other names: c.13292del, p.Glu4431fs (NM_001164507.2, NM_001271208.2); c.11601+7146del (NM_004543.5); short protein forms E4431fs.
Identifiers: ClinVar variation 2694019 (VCV002694019.3), dbSNP rs2552220966, ClinGen allele CA2697551176.